The following is an entry in ClinVar:

ClinVar aggregate classification (germline): Uncertain significance (1 of 4 stars; one submission).

Allele frequency attached by ClinVar (database versions not stated): TOPMed below 0.00001.

Submission:

Ambry Genetics
Classification: Uncertain significance. Last evaluated: 2021-08-29. Review status: criteria provided, single submitter. Criteria: Ambry Variant Classification Scheme 2023. Collection method: clinical testing. Allele origin: germline.
Comment: The p.Y553C variant (also known as c.1658A>G), located in coding exon 11 of the POLQ gene, results from an A to G substitution at nucleotide position 1658. The tyrosine at codon 553 is replaced by cysteine, an amino acid with highly dissimilar properties. This amino acid position is conserved. In addition, the in silico prediction for this alteration is inconclusive. Since supporting evidence is limited at this time, the clinical significance of this alteration remains unclear.

NM_199420.4(POLQ):c.1658A>G (p.Tyr553Cys)

Gene: POLQ (DNA polymerase theta; minus strand). Cytogenetic location: 3q13.33.
Variant type: single nucleotide variant.
Coding change: c.1658A>G on transcript NM_199420.4 (MANE Select); coding-DNA position 1658, A replaced by G.
Protein change: p.Tyr553Cys; replaces tyrosine 553 with cysteine.
Molecular consequence: missense variant.
Genome position (GRCh38, 1-based): chr3:121,510,197, T>C on the plus strand (A>G on the coding strand, the complement: POLQ is on the minus strand). VCF-style: chr3-121510197-T-C. GRCh37 (hg19) VCF-style: chr3-121229044-T-C.
Other names: short protein forms Y553C.
Identifiers: ClinVar variation 1777389 (VCV001777389.2), dbSNP rs945835584, ClinGen allele CA81851544.